The following is an entry in ClinVar:

NM_145290.4(ADGRA3):c.169G>A (p.Gly57Ser)

Gene: ADGRA3 (adhesion G protein-coupled receptor A3; minus strand). Cytogenetic location: 4p15.2.
Variant type: single nucleotide variant.
Coding change: c.169G>A on transcript NM_145290.4 (MANE Select); coding-DNA position 169, G replaced by A.
Protein change: p.Gly57Ser; replaces glycine 57 with serine.
Molecular consequence: missense variant.
Genome position (GRCh38, 1-based): chr4:22,515,616, C>T on the plus strand (G>A on the coding strand, the complement: ADGRA3 is on the minus strand). VCF-style: chr4-22515616-C-T. GRCh37 (hg19) VCF-style: chr4-22517239-C-T.
Other names: c.169G>A (NM_145290.2); short protein forms G57S.
Identifiers: ClinVar variation 1356233 (VCV001356233.8), dbSNP rs537261703, ClinGen allele CA2874387.

ClinVar aggregate classification (germline): Uncertain significance. Review status: criteria provided, multiple submitters, no conflicts (2 of 4 stars). 3 submissions from 3 submitters: Uncertain significance (3). Last evaluated 2026-01-26.

Conditions:
Retinal dystrophy. Also called: Inherited retinal dystrophy. Identifiers: Orphanet 71862, MedGen C0854723, MeSH D058499, MONDO:0019118, HP:0000556.

Allele frequency attached by ClinVar (database versions not stated): gnomAD 0.00001 and 0.00003; gnomAD exomes 0.00001 and 0.00005; ExAC 0.00011; 1000 Genomes Project 0.00040; 1000 Genomes Project 30x 0.00047.
gnomAD v4.1: 19 of 1,543,650 alleles (0.0012%); highest among the groups gnomAD compares: East Asian, 0.034%; no homozygotes.

Submissions (3):

Labcorp Genetics (formerly Invitae), Labcorp
Classification: Uncertain significance. Last evaluated: 2026-01-26. Review status: criteria provided, single submitter. Criteria: Invitae Variant Classification Sherloc (09022015). Collection method: clinical testing. Allele origin: germline.
Comment: This sequence change replaces glycine, which is neutral and non-polar, with serine, which is neutral and polar, at codon 57 of the ADGRA3 protein (p.Gly57Ser). This variant is present in population databases (rs537261703, gnomAD 0.1%), and has an allele count higher than expected for a pathogenic variant. This variant has not been reported in the literature in individuals affected with ADGRA3-related conditions. ClinVar contains an entry for this variant (Variation ID: 1356233). An algorithm developed to predict the effect of missense changes on protein structure and function outputs the following: PolyPhen-2: "Benign". The serine amino acid residue is found in multiple mammalian species, which suggests that this missense change does not adversely affect protein function. In summary, the available evidence is currently insufficient to determine the role of this variant in disease. Therefore, it has been classified as a Variant of Uncertain Significance.

Ambry Genetics
Classification: Uncertain significance. Last evaluated: 2025-01-21. Review status: criteria provided, single submitter. Criteria: Ambry Variant Classification Scheme 2023. Collection method: clinical testing. Allele origin: germline.

Dept Of Ophthalmology, Nagoya University
Classification: Uncertain significance for Retinal dystrophy. Last evaluated: 2023-10-01. Review status: criteria provided, single submitter. Criteria: Submitter's publication. Collection method: research. Allele origin: germline. Affected: yes.